The following is an entry in ClinVar:

ClinVar aggregate classification (germline): Uncertain significance. Review status: criteria provided, multiple submitters, no conflicts (2 of 4 stars). 2 submissions from 2 submitters: Uncertain significance (2). Last evaluated 2025-04-14.

Conditions:
Oculofaciocardiodental syndrome (MCOPS2). Identifiers: Orphanet 2712, MedGen C1846265, MONDO:0010261, OMIM 300166.
Inborn genetic diseases. Identifiers: MedGen C0950123, MeSH D030342.

Allele frequency attached by ClinVar (database versions not stated): ExAC 0.00001; TOPMed 0.00002; gnomAD exomes 0.00006.
gnomAD v4.1: 66 of 1,210,725 alleles (0.0055%); highest among the groups gnomAD compares: Non-Finnish European, 0.0069%; no homozygotes.

Submissions (2):

Labcorp Genetics (formerly Invitae), Labcorp
Classification: Uncertain significance for Oculofaciocardiodental syndrome. Last evaluated: 2025-04-14. Review status: criteria provided, single submitter. Criteria: Invitae Variant Classification Sherloc (09022015). Collection method: clinical testing. Allele origin: germline.
Comment: This sequence change replaces proline, which is neutral and non-polar, with threonine, which is neutral and polar, at codon 1574 of the BCOR protein (p.Pro1574Thr). The frequency data for this variant in the population databases is considered unreliable, as metrics indicate poor data quality at this position in the gnomAD database. This variant has not been reported in the literature in individuals affected with BCOR-related conditions. ClinVar contains an entry for this variant (Variation ID: 2239921). An algorithm developed to predict the effect of missense changes on protein structure and function (PolyPhen-2) suggests that this variant is likely to be disruptive. In summary, the available evidence is currently insufficient to determine the role of this variant in disease. Therefore, it has been classified as a Variant of Uncertain Significance.

Ambry Genetics
Classification: Uncertain significance for Inborn genetic diseases. Last evaluated: 2021-08-02. Review status: criteria provided, single submitter. Criteria: Ambry Variant Classification Scheme 2023. Collection method: clinical testing. Allele origin: germline.

NM_001123385.2(BCOR):c.4822C>A (p.Pro1608Thr)

Gene: BCOR (BCL6 corepressor; minus strand). Cytogenetic location: Xp11.4.
Variant type: single nucleotide variant.
Coding change: c.4822C>A on transcript NM_001123385.2 (MANE Select); coding-DNA position 4822, C replaced by A.
Protein change: p.Pro1608Thr; replaces proline 1608 with threonine.
Molecular consequence: missense variant.
Genome position (GRCh38, 1-based): chrX:40,054,040, G>T on the plus strand (C>A on the coding strand, the complement: BCOR is on the minus strand). VCF-style: chrX-40054040-G-T. GRCh37 (hg19) VCF-style: chrX-39913293-G-T.
Other names: c.4720C>A, p.Pro1574Thr (NM_001123383.2, NM_017745.6); c.4666C>A, p.Pro1556Thr (NM_001123384.2); short protein forms P1574T, P1556T, P1608T.
Identifiers: ClinVar variation 2239921 (VCV002239921.3), dbSNP rs763713052, ClinGen allele CA10386363.